The following is an entry in ClinVar:

ClinVar aggregate classification (germline): Uncertain significance (1 of 4 stars; one submission).

Conditions:
Congenital sensory neuropathy with selective loss of small myelinated fibers (HSAN5). Also called: HSAN Type V. Identifiers: Orphanet 64752, MedGen C0020075, MONDO:0012092, OMIM 608654.

Submission:

Labcorp Genetics (formerly Invitae), Labcorp
Classification: Uncertain significance for Congenital sensory neuropathy with selective loss of small myelinated fibers. Last evaluated: 2021-05-30. Review status: criteria provided, single submitter. Criteria: Invitae Variant Classification Sherloc (09022015). Collection method: clinical testing. Allele origin: germline.
Comment: This sequence change replaces glutamine with arginine at codon 92 of the NGF protein (p.Gln92Arg). The glutamine residue is moderately conserved and there is a small physicochemical difference between glutamine and arginine. Algorithms developed to predict the effect of missense changes on protein structure and function (SIFT, PolyPhen-2, Align-GVGD) all suggest that this variant is likely to be tolerated, but these predictions have not been confirmed by published functional studies and their clinical significance is uncertain. This variant has not been reported in the literature in individuals with NGF-related conditions. This variant is not present in population databases (ExAC no frequency). In summary, the available evidence is currently insufficient to determine the role of this variant in disease. Therefore, it has been classified as a Variant of Uncertain Significance.

NM_002506.3(NGF):c.275A>G (p.Gln92Arg)

Genes: NGF (nerve growth factor; minus strand), NGF-AS1 (NGF antisense RNA 1; plus strand). Cytogenetic location: 1p13.2.
Variant type: single nucleotide variant.
Coding change: c.275A>G on transcript NM_002506.3 (MANE Select); coding-DNA position 275, A replaced by G.
Protein change: p.Gln92Arg; replaces glutamine 92 with arginine.
Molecular consequence: missense variant.
Genome position (GRCh38, 1-based): chr1:115,286,521, T>C on the plus strand (A>G on the coding strand, the complement: NGF is on the minus strand). VCF-style: chr1-115286521-T-C. GRCh37 (hg19) VCF-style: chr1-115829142-T-C.
Other names: short protein forms Q92R.
Identifiers: ClinVar variation 1357342 (VCV001357342.8), dbSNP rs2101019050, ClinGen allele CA341836903.
Genomic context (GRCh38, chr1:115,286,521, plus strand): 5'-GGGGCAGCACCACCGACCTCGAAGTCCAGATCCTGAGTGTCTGCAGCTTCACGGGGAGGC[T>C]GGGTGCTAAACAGCACACGGGGTGAACGGAGTCGCCGCTTTTTAAACAGCCTGGGGTCCA-3'
Protein context (NP_002497.2, residues 82-102): LRSPRVLFST[Gln92Arg]PPREAADTQD